The following is an entry in ClinVar:

NM_001903.5(CTNNA1):c.938T>C (p.Ile313Thr)

Gene: CTNNA1 (catenin alpha 1; plus strand). Cytogenetic location: 5q31.2.
Variant type: single nucleotide variant.
Coding change: c.938T>C on transcript NM_001903.5 (MANE Select); coding-DNA position 938, T replaced by C.
Protein change: p.Ile313Thr; replaces isoleucine 313 with threonine.
Molecular consequence: missense variant.
Genome position (GRCh38, 1-based): chr5:138,827,594, T>C. VCF-style: chr5-138827594-T-C. GRCh37 (hg19) VCF-style: chr5-138163283-T-C.
Other names: c.938T>C, p.Ile313Thr (NM_001290307.3, NM_001323982.2, NM_001323983.1 and 3 more transcripts); c.629T>C, p.Ile210Thr (NM_001290309.3); c.569T>C, p.Ile190Thr (NM_001290310.3); short protein forms I210T, I313T, I190T.
Identifiers: ClinVar variation 4235649 (VCV004235649.1).

ClinVar aggregate classification (germline): Uncertain significance (1 of 4 stars; one submission).

Conditions:
Hereditary cancer-predisposing syndrome. Also called: Hereditary Cancer Syndrome; Hereditary neoplastic syndrome; Neoplastic Syndromes, Hereditary; Tumor predisposition. Identifiers: Orphanet 140162, MedGen C0027672, MeSH D009386, MONDO:0015356.

Submission:

Ambry Genetics
Classification: Uncertain significance for Hereditary cancer-predisposing syndrome. Last evaluated: 2025-08-12. Review status: criteria provided, single submitter. Criteria: Ambry Variant Classification Scheme 2023. Collection method: clinical testing. Allele origin: germline.
Comment: The p.I313T variant (also known as c.938T>C), located in coding exon 6 of the CTNNA1 gene, results from a T to C substitution at nucleotide position 938. The isoleucine at codon 313 is replaced by threonine, an amino acid with similar properties. This amino acid position is conserved. In addition, the in silico prediction for this alteration is inconclusive. Based on the available evidence, the clinical significance of this variant remains unclear.